The following is an entry in ClinVar:

NM_000551.4(VHL):c.540_543del (p.Val181fs)

Genes: VHL (von Hippel-Lindau tumor suppressor; plus strand), LOC107303340 (3p25 von Hippel-Lindau tumor suppressor, E3 ubiquitin protein ligase Alu-mediated recombination region; plus strand). Cytogenetic location: 3p25.3.
Variant type: Deletion.
Coding change: c.540_543del on transcript NM_000551.4 (MANE Select); coding-DNA positions 540 to 543, 4 bases deleted (CGTC; older notation c.540_543delCGTC).
Protein change: p.Val181fs; shifts the reading frame from valine 181.
Molecular consequence: frameshift variant. On other transcripts: 3 prime UTR variant (1).
Genome position (GRCh38, 1-based): chr3:10,149,863-10,149,866, CGTC deleted. VCF-style (leftmost placement, unchanged base first): chr3-10149862-TCGTC-T. GRCh37 (hg19) VCF-style: chr3-10191546-TCGTC-T.
Other names: c.540_543delCGTC (NM_000551.3); c.*94_*97del (NM_001354723.2); c.417_420del, p.Val140fs (NM_198156.3); short protein forms V140fs, V181fs.
Identifiers: ClinVar variation 223230 (VCV000223230.10), dbSNP rs869025664, ClinGen allele CA357022.

ClinVar aggregate classification (germline): Pathogenic. Review status: criteria provided, single submitter (1 of 4 stars). 2 submissions from 2 submitters: Pathogenic (1). 1 of the submissions does not count toward it. Last evaluated 2018-11-05.

Conditions:
Von Hippel-Lindau syndrome (VHLS). Also called: Von Hippel-Lindau; von Hippel–Lindau syndrome; VHL syndrome. Identifiers: Orphanet 892, MedGen C0019562, MONDO:0008667, OMIM 193300. Disease mechanism: loss of function.
Chuvash polycythemia. Also called: POLYCYTHEMIA, VHL-DEPENDENT. Identifiers: Orphanet 238557, MedGen C1837915, MONDO:0009892, OMIM 263400.

Submissions (2):

Labcorp Genetics (formerly Invitae), Labcorp
Classification: Pathogenic for Von Hippel-Lindau syndrome; Chuvash polycythemia. Last evaluated: 2018-11-05. Review status: criteria provided, single submitter. Criteria: Invitae Variant Classification Sherloc (09022015). Collection method: clinical testing. Allele origin: germline.
Comment: For these reasons, this variant has been classified as Pathogenic. This variant disrupts the C-terminus of the VHL protein. Other variant(s) that disrupt this region (p.Ser183*) have been determined to be pathogenic (PMID: 8707293, 10567493, 11309459, 8707293). This suggests that variants that disrupt this region of the protein are likely to be causative of disease. This variant has been observed in the literature in a family affected with von Hippel-Lindau syndrome (PMID: 9829911). This variant is also known as 753_756delCGTC in the literature. ClinVar contains an entry for this variant (Variation ID: 223230). This variant is not present in population databases (ExAC no frequency). This sequence change results in a premature translational stop signal in the VHL gene (p.Val181Glyfs*20). While this is not anticipated to result in nonsense mediated decay, it is expected to disrupt the last 33 amino acids of the VHL protein.

Genomic Diagnostic Laboratory, Division of Genomic Diagnostics, Children's Hospital of Philadelphia
Classification: Uncertain significance for Von Hippel-Lindau syndrome. Last evaluated: 2016-02-26. Review status: no assertion criteria provided. Collection method: clinical testing. Allele origin: germline. Observed: 2 variant alleles. Not counted in ClinVar's aggregate classification.

Literature cited by the submitters: PubMed 8707293 (cited by Labcorp Genetics (formerly Invitae), Labcorp); PubMed 10567493 (cited by Labcorp Genetics (formerly Invitae), Labcorp); PubMed 11309459 (cited by Labcorp Genetics (formerly Invitae), Labcorp); PubMed 9829911 (cited by Labcorp Genetics (formerly Invitae), Labcorp).